The following is an entry in ClinVar:

ClinVar aggregate classification (germline): Uncertain significance (1 of 4 stars; one submission).

Conditions:
Inborn genetic diseases. Identifiers: MedGen C0950123, MeSH D030342.

gnomAD v4.1: 1 of 1,613,236 alleles (0.000062%); no homozygotes.

Submission:

Ambry Genetics
Classification: Uncertain significance for Inborn genetic diseases. Last evaluated: 2026-03-18. Review status: criteria provided, single submitter. Criteria: Ambry Variant Classification Scheme 2023. Collection method: clinical testing. Allele origin: germline.
Comment: The p.N897S variant (also known as c.2690A>G), located in coding exon 23 of the ANKRD26 gene, results from an A to G substitution at nucleotide position 2690. The asparagine at codon 897 is replaced by serine, an amino acid with highly similar properties. This amino acid position is conserved. In addition, this alteration is predicted to be tolerated by in silico analysis. Based on the available evidence, the clinical significance of this variant remains unclear.

NM_014915.3(ANKRD26):c.2690A>G (p.Asn897Ser)

Gene: ANKRD26 (ankyrin repeat domain 26; minus strand). Cytogenetic location: 10p12.1.
Variant type: single nucleotide variant.
Coding change: c.2690A>G on transcript NM_014915.3 (MANE Select); coding-DNA position 2690, A replaced by G.
Protein change: p.Asn897Ser; replaces asparagine 897 with serine.
Molecular consequence: missense variant.
Genome position (GRCh38, 1-based): chr10:27,037,193, T>C on the plus strand (A>G on the coding strand, the complement: ANKRD26 is on the minus strand). VCF-style: chr10-27037193-T-C. GRCh37 (hg19) VCF-style: chr10-27326122-T-C.
Other names: c.2687A>G, p.Asn896Ser (NM_001256053.2); short protein forms N896S, N897S.
Identifiers: ClinVar variation 4859071 (VCV004859071.1).